The following is an entry in ClinVar:

ClinVar aggregate classification (germline): Pathogenic (1 of 4 stars; one submission).

Conditions:
Vitamin D-dependent rickets, type 1A. Also called: VITAMIN D HYDROXYLATION-DEFICIENT RICKETS, TYPE 1A; PDDR IA; PSEUDOVITAMIN D-DEFICIENCY RICKETS, TYPE IA. Identifiers: MedGen CN283242, MONDO:0020723, OMIM 264700.

gnomAD v4.1: 1 of 1,614,138 alleles (0.000062%); highest among the groups gnomAD compares: South Asian, 0.0011%; no homozygotes.

Submission:

Myriad Genetics, Inc.
Classification: Pathogenic for Vitamin D-dependent rickets, type 1A. Last evaluated: 2026-08-12. Review status: criteria provided, single submitter. Criteria: Myriad Autosomal Dominant, Autosomal Recessive and X-Linked Classification Criteria (2023). Collection method: clinical testing. Allele origin: unknown.
Comment: NM_000785.3(CYP27B1):c.58G>T(E20*) is a nonsense variant classified as pathogenic in the context of vitamin D-dependent rickets, CYP27B1-related. E20* has not been observed in cases with relevant disease. Relevant functional assessments of this variant are not available in the literature. E20* has not been observed in referenced population frequency databases. In summary, NM_000785.3(CYP27B1):c.58G>T(E20*) is a nonsense variant in a gene where loss of function is a known mechanism of disease and is predicted to disrupt protein function. Please note: this variant was assessed in the context of healthy population screening.

NM_000785.4(CYP27B1):c.58G>T (p.Glu20Ter)

Gene: CYP27B1 (cytochrome P450 family 27 subfamily B member 1; minus strand). Cytogenetic location: 12q14.1.
Variant type: single nucleotide variant.
Coding change: c.58G>T on transcript NM_000785.4 (MANE Select); coding-DNA position 58, G replaced by T.
Protein change: p.Glu20Ter; replaces glutamic acid 20 with a stop codon.
Molecular consequence: nonsense.
Genome position (GRCh38, 1-based): chr12:57,766,984, C>A on the plus strand (G>T on the coding strand, the complement: CYP27B1 is on the minus strand). VCF-style: chr12-57766984-C-A. GRCh37 (hg19) VCF-style: chr12-58160767-C-A.
Other names: short protein forms E20*.
Identifiers: ClinVar variation 5004845 (VCV005004845.1).